The following is an entry in ClinVar:

NM_144670.6(A2ML1):c.3384C>G (p.Ala1128=)

Gene: A2ML1 (alpha-2-macroglobulin like 1; plus strand). Cytogenetic location: 12p13.31.
Variant type: single nucleotide variant.
Coding change: c.3384C>G on transcript NM_144670.6 (MANE Select); coding-DNA position 3384, C replaced by G.
Protein change: p.Ala1128=; no amino-acid change (alanine 1128 retained).
Molecular consequence: synonymous variant.
Genome position (GRCh38, 1-based): chr12:8,861,179, C>G. VCF-style: chr12-8861179-C-G. GRCh37 (hg19) VCF-style: chr12-9013775-C-G.
Other names: c.1911C>G, p.Ala637= (NM_001282424.3).
Identifiers: ClinVar variation 513690 (VCV000513690.13), dbSNP rs773681065, ClinGen allele CA232698803.
Genomic context (GRCh38, chr12:8,861,179, plus strand): 5'-CATCTTCACTTTTTAGGACCCAATGGTGAGTCAGGGTCTACGGTGTCTCAAGAATTCGGC[C>G]ACCTCCACGACCAACCTCTACACACAGGCCCTGTTGGCTTACATTTTCTCCCTGGCTGGG-3'
Protein context (NP_653271.3, residues 1118-1138): SQGLRCLKNS[Ala1128=]TSTTNLYTQA

ClinVar aggregate classification (germline): Likely benign. Review status: criteria provided, multiple submitters, no conflicts (2 of 4 stars). 5 submissions from 5 submitters: Likely benign (5). Last evaluated 2025-08-31.

Allele frequency attached by ClinVar (database versions not stated): TOPMed 0.00002; gnomAD 0.00003.
gnomAD v4.1: 7 of 1,613,882 alleles (0.00043%); highest among the groups gnomAD compares: Admixed American, 0.005%; no homozygotes.

Submissions (5):

Labcorp Genetics (formerly Invitae), Labcorp
Classification: Likely benign. Last evaluated: 2025-08-31. Review status: criteria provided, single submitter. Criteria: Invitae Variant Classification Sherloc (09022015). Collection method: clinical testing. Allele origin: germline.

Ambry Genetics
Classification: Likely benign. Last evaluated: 2022-01-10. Review status: criteria provided, single submitter. Criteria: Ambry Variant Classification Scheme 2023. Collection method: clinical testing. Allele origin: germline.

Blueprint Genetics
Classification: Likely benign. Last evaluated: 2021-07-27. Review status: criteria provided, single submitter. Criteria: ACMG Guidelines, 2015. Collection method: clinical testing. Allele origin: germline.

Women's Health and Genetics/Laboratory Corporation of America, LabCorp
Classification: Likely benign. Last evaluated: 2021-01-28. Review status: criteria provided, single submitter. Criteria: LabCorp Variant Classification Summary - May 2015. Collection method: clinical testing. Allele origin: germline.

GeneDx
Classification: Likely benign. Last evaluated: 2017-11-27. Review status: criteria provided, single submitter. Criteria: GeneDx Variant Classification (06012015). Collection method: clinical testing. Allele origin: germline. Affected: yes.
Comment: This variant is considered likely benign or benign based on one or more of the following criteria: it is a conservative change, it occurs at a poorly conserved position in the protein, it is predicted to be benign by multiple in silico algorithms, and/or has population frequency not consistent with disease.